The following is an entry in ClinVar:

NM_014363.6(SACS):c.1981dup (p.Ser661fs)

Gene: SACS (sacsin molecular chaperone; minus strand). Cytogenetic location: 13q12.12.
Variant type: Duplication.
Coding change: c.1981dup on transcript NM_014363.6 (MANE Select); coding-DNA position 1981, one base duplicated (A; older notation c.1981dupA).
Protein change: p.Ser661fs; shifts the reading frame from serine 661.
Molecular consequence: frameshift variant.
Genome position (GRCh38, 1-based): chr13:23,354,631, T duplicated on the plus strand (A on the coding strand, the reverse complement: SACS is on the minus strand). VCF-style (leftmost placement, unchanged base first): chr13-23354630-C-CT. GRCh37 (hg19) VCF-style: chr13-23928769-C-CT.
Other names: c.1540dup, p.Ser514fs (NM_001278055.2); c.1981dup, p.Ser661fs (NM_001437336.1); short protein forms S514fs, S661fs.
Identifiers: ClinVar variation 4815689 (VCV004815689.1).

ClinVar aggregate classification (germline): Likely pathogenic (1 of 4 stars; one submission).

Conditions:
Charlevoix-Saguenay spastic ataxia (SACS). Also called: AUTOSOMAL RECESSIVE SPASTIC ATAXIA OF CHARLEVOIX-SAGUENAY; Spastic ataxia of Charlevoix-Saguenay; SPASTIC ATAXIA 6, AUTOSOMAL RECESSIVE. Identifiers: Orphanet 98, MedGen C1849140, MONDO:0010041, OMIM 270550.

Submission:

Natera, Inc.
Classification: Likely pathogenic for Charlevoix-Saguenay type spastic ataxia. Last evaluated: 2025-11-09. Review status: criteria provided, single submitter. Criteria: Natera Variant Classification Schema (03/2026). Collection method: clinical testing. Allele origin: germline.
Comment: The c.1981dup variant in SACS is a frameshift variant predicted to shift the reading frame beginning at codon 661 and leads to a stop codon 2 codons downstream. This variant is expected to result in nonsense mediated decay, truncation, or a dysfunctional protein product. This variant is rare in the general population with a frequency below the threshold expected for the associated phenotype(s). Given the available evidence, this variant is classified as Likely Pathogenic.